The following is an entry in ClinVar:

ClinVar aggregate classification (germline): Pathogenic. Review status: criteria provided, multiple submitters, no conflicts (2 of 4 stars). 3 submissions from 3 submitters: Pathogenic (3). Last evaluated 2025-10-06.

Conditions:
Cardiovascular phenotype. Identifiers: MedGen CN230736.
Hereditary hemorrhagic telangiectasia (HHT). Also called: Osler hemorrhagic telangiectasia syndrome; ORW DISEASE; Osler Weber Rendu syndrome; OSLER-RENDU-WEBER DISEASE. Identifiers: Orphanet 774, MedGen C0039445, MONDO:0019180. Disease mechanism: loss of function.

Submissions (3):

Labcorp Genetics (formerly Invitae), Labcorp
Classification: Pathogenic for Hereditary hemorrhagic telangiectasia. Last evaluated: 2025-10-06. Review status: criteria provided, single submitter. Criteria: Invitae Variant Classification Sherloc (09022015). Collection method: clinical testing. Allele origin: germline.
Comment: This sequence change creates a premature translational stop signal (p.Glu563*) in the ENG gene. It is expected to result in an absent or disrupted protein product. Loss-of-function variants in ENG are known to be pathogenic (PMID: 15879500). This variant is not present in population databases (gnomAD no frequency). This premature translational stop signal has been observed in individual(s) with hereditary hemorrhagic telangiectasia (PMID: 21158752). ClinVar contains an entry for this variant (Variation ID: 1076795). Algorithms developed to predict the effect of sequence changes on RNA splicing suggest that this variant may disrupt the consensus splice site. For these reasons, this variant has been classified as Pathogenic.

Mayo Clinic Laboratories, Mayo Clinic
Classification: Pathogenic. Last evaluated: 2025-04-15. Review status: criteria provided, single submitter. Criteria: ACMG Guidelines, 2015. Collection method: clinical testing. Allele origin: germline. Observed: 1 variant allele.
Comment: PP4, PM2_supporting, PVS1

Ambry Genetics
Classification: Pathogenic for Cardiovascular phenotype. Last evaluated: 2015-11-24. Review status: criteria provided, single submitter. Criteria: Ambry Variant Classification Scheme 2023. Collection method: clinical testing. Allele origin: germline.
Comment: The p.E563* pathogenic mutation (also known as c.1687G>T), located in coding exon 13 of the ENG gene, results from a G to T substitution at nucleotide position 1687. This changes the amino acid from a glutamic acid to a stop codon within coding exon 13. This alteration has been reportedly identified in one individual with epistaxis, telangiectasia, a pulmonary arteriovenous malformation, and a family history of HHT (McDonald J, Clin. Genet. 2011 Apr; 79(4):335-44). In addition to the clinical data presented in the literature, since premature stop codons are typically deleterious in nature, this alteration is interpreted as a disease-causing mutation (ACMG Recommendations for Standards for Interpretation and Reporting of Sequence Variations. Revision 2007. Genet Med. 2008;10:294).

Literature cited by the submitters: PubMed 15879500 (cited by Labcorp Genetics (formerly Invitae), Labcorp); PubMed 21158752 (cited by 3 submitters); PubMed 32300199 (cited by Mayo Clinic Laboratories, Mayo Clinic).

NM_001114753.3(ENG):c.1687G>T (p.Glu563Ter)

Genes: ENG (endoglin; minus strand), LOC102723566 (uncharacterized LOC102723566; plus strand). Cytogenetic location: 9q34.11.
Variant type: single nucleotide variant.
Coding change: c.1687G>T on transcript NM_001114753.3 (MANE Select); coding-DNA position 1687, G replaced by T.
Protein change: p.Glu563Ter; replaces glutamic acid 563 with a stop codon.
Molecular consequence: nonsense. On other transcripts: non-coding transcript variant (1).
Genome position (GRCh38, 1-based): chr9:127,817,203, C>A on the plus strand (G>T on the coding strand, the complement: ENG is on the minus strand). VCF-style: chr9-127817203-C-A. GRCh37 (hg19) VCF-style: chr9-130579482-C-A.
Other names: p.Glu563*; c.1687G>T, p.Glu563Ter (NM_000118.4); c.1141G>T, p.Glu381Ter (NM_001278138.2); short protein forms E381*, E563*.
Identifiers: ClinVar variation 1076795 (VCV001076795.11), dbSNP rs2131873923, ClinGen allele CA374973819.